The following is an entry in ClinVar:

ClinVar aggregate classification (germline): Uncertain significance (1 of 4 stars; one submission).

Conditions:
Early-infantile DEE. Also called: Ohtahara syndrome; Early infantile epileptic encephalopathy; Early infantile epileptic encephalopathy with suppression bursts. Identifiers: Orphanet 1934, MedGen C0393706, MONDO:0800491.

Submission:

Labcorp Genetics (formerly Invitae), Labcorp
Classification: Uncertain significance for Early-infantile DEE. Last evaluated: 2024-07-03. Review status: criteria provided, single submitter. Criteria: Invitae Variant Classification Sherloc (09022015). Collection method: clinical testing. Allele origin: germline.
Comment: This sequence change replaces alanine, which is neutral and non-polar, with aspartic acid, which is acidic and polar, at codon 542 of the KCNQ2 protein (p.Ala542Asp). This variant is not present in population databases (gnomAD no frequency). This variant has not been reported in the literature in individuals affected with KCNQ2-related conditions. An algorithm developed to predict the effect of missense changes on protein structure and function (PolyPhen-2) suggests that this variant is likely to be disruptive. In summary, the available evidence is currently insufficient to determine the role of this variant in disease. Therefore, it has been classified as a Variant of Uncertain Significance.

NM_172107.4(KCNQ2):c.1625C>A (p.Ala542Asp)

Gene: KCNQ2 (potassium voltage-gated channel subfamily Q member 2; minus strand). Cytogenetic location: 20q13.33.
Variant type: single nucleotide variant.
Coding change: c.1625C>A on transcript NM_172107.4 (MANE Select); coding-DNA position 1625, C replaced by A.
Protein change: p.Ala542Asp; replaces alanine 542 with aspartic acid.
Molecular consequence: missense variant.
Genome position (GRCh38, 1-based): chr20:63,414,094, G>T on the plus strand (C>A on the coding strand, the complement: KCNQ2 is on the minus strand). VCF-style: chr20-63414094-G-T. GRCh37 (hg19) VCF-style: chr20-62045447-G-T.
Other names: c.1571C>A, p.Ala524Asp (NM_001382235.1, NM_172106.3); c.1541C>A, p.Ala514Asp (NM_004518.6); c.1532C>A, p.Ala511Asp (NM_172108.5); short protein forms A524D, A511D, A514D, A542D.
Identifiers: ClinVar variation 3658626 (VCV003658626.2).